The following is an entry in ClinVar:

ClinVar aggregate classification (germline): Likely benign. Review status: criteria provided, multiple submitters, no conflicts (2 of 4 stars). 6 submissions from 6 submitters: Likely benign (5). 1 of the submissions does not count toward it. Last evaluated 2025-07-14.

Conditions:
Macrothrombocytopenia and granulocyte inclusions with or without nephritis or sensorineural hearing loss (MATINS). Also called: BLEEDING DISORDER, PLATELET-TYPE, 6; DOHLE LEUKOCYTE INCLUSIONS WITH GIANT PLATELETS; MACROTHROMBOCYTOPENIA WITH LEUKOCYTE INCLUSIONS; SEBASTIAN PLATELET SYNDROME; MACROTHROMBOCYTOPENIA WITH DISPERSED LEUKOCYTIC INCLUSIONS; MACROTHROMBOCYTOPENIA, NEPHRITIS, AND DEAFNESS. Identifiers: Orphanet 182050, MedGen C5200934, MONDO:0015912, OMIM 155100.
Autosomal dominant nonsyndromic hearing loss 17. Also called: Deafness, autosomal dominant 17; Autosomal dominant nonsyndromic deafness 17. Identifiers: Orphanet 90635, MedGen C1863659, MONDO:0011350, OMIM 603622.
MYH9-related disorder. Identifiers: MedGen C1854520.

Allele frequency attached by ClinVar (database versions not stated): ExAC 0.00002; gnomAD exomes 0.00004 and 0.00010; TOPMed 0.00007; gnomAD 0.00011 and 0.00012; ESP Exome Variant Server 0.00015.
gnomAD v4.1: 167 of 1,613,752 alleles (0.01%); highest among the groups gnomAD compares: African/African-American, 0.017%; no homozygotes.

Submissions (6):

ARUP Laboratories, Molecular Genetics and Genomics, ARUP Laboratories
Classification: Likely benign. Last evaluated: 2025-07-14. Review status: criteria provided, single submitter. Criteria: ARUP Molecular Germline Variant Investigation Process 2024. Collection method: clinical testing. Allele origin: germline.

Labcorp Genetics (formerly Invitae), Labcorp
Classification: Likely benign. Last evaluated: 2025-06-02. Review status: criteria provided, single submitter. Criteria: Invitae Variant Classification Sherloc (09022015). Collection method: clinical testing. Allele origin: germline.

Blueprint Genetics
Classification: Likely benign. Last evaluated: 2024-04-15. Review status: criteria provided, single submitter. Criteria: ACMG Guidelines, 2015. Collection method: clinical testing. Allele origin: germline.

Fulgent Genetics
Classification: Likely benign for Macrothrombocytopenia and granulocyte inclusions with or without nephritis or sensorineural hearing loss; Autosomal dominant nonsyndromic hearing loss 17. Last evaluated: 2021-09-23. Review status: criteria provided, single submitter. Criteria: ACMG Guidelines, 2015. Collection method: clinical testing. Allele origin: unknown.

Laboratory for Molecular Medicine, Mass General Brigham Personalized Medicine
Classification: Likely benign. Last evaluated: 2012-04-30. Review status: criteria provided, single submitter. Criteria: LMM Criteria. Collection method: clinical testing. Allele origin: germline. Observed: 1 variant allele.
Comment: Ala404Ala in Exon 11 of MYH9: This variant is not expected to have clinical sign ificance because it does not alter an amino acid residue and is not located with in the splice consensus sequence. It has been identified in 1/3738 African Ameri can chromosomes from a broad population by the NHLBI Exome Sequencing Project (dbSNP rs148832136).

PreventionGenetics, part of Exact Sciences
Classification: Likely benign for MYH9-related condition. Last evaluated: 2019-09-26. Review status: no assertion criteria provided. Collection method: clinical testing. Allele origin: germline. Not counted in ClinVar's aggregate classification.
Comment: This variant is classified as likely benign based on ACMG/AMP sequence variant interpretation guidelines (Richards et al. 2015 PMID: 25741868, with internal and published modifications).

NM_002473.6(MYH9):c.1212G>A (p.Ala404=)

Gene: MYH9 (myosin heavy chain 9; minus strand). Cytogenetic location: 22q12.3.
Variant type: single nucleotide variant.
Coding change: c.1212G>A on transcript NM_002473.6 (MANE Select); coding-DNA position 1212, G replaced by A.
Protein change: p.Ala404=; no amino-acid change (alanine 404 retained).
Molecular consequence: synonymous variant.
Genome position (GRCh38, 1-based): chr22:36,318,222, C>T on the plus strand (G>A on the coding strand, the complement: MYH9 is on the minus strand). VCF-style: chr22-36318222-C-T. GRCh37 (hg19) VCF-style: chr22-36714267-C-T.
Other names: c.1212G>A (NM_002473.5).
Identifiers: ClinVar variation 164459 (VCV000164459.14), dbSNP rs148832136, ClinGen allele CA177141.